The following is an entry in ClinVar:

NM_000257.4(MYH7):c.4010G>T (p.Arg1337Leu)

Gene: MYH7 (myosin heavy chain 7; minus strand). Cytogenetic location: 14q11.2.
Variant type: single nucleotide variant.
Coding change: c.4010G>T on transcript NM_000257.4 (MANE Select); coding-DNA position 4010, G replaced by T.
Protein change: p.Arg1337Leu; replaces arginine 1337 with leucine.
Molecular consequence: missense variant.
Genome position (GRCh38, 1-based): chr14:23,418,369, C>A on the plus strand (G>T on the coding strand, the complement: MYH7 is on the minus strand). VCF-style: chr14-23418369-C-A. GRCh37 (hg19) VCF-style: chr14-23887578-C-A.
Other names: c.4010G>T, p.Arg1337Leu (NM_001407004.1); short protein forms R1337L.
Identifiers: ClinVar variation 4844337 (VCV004844337.1).

ClinVar aggregate classification (germline): Uncertain significance (1 of 4 stars; one submission).

Conditions:
Cardiovascular phenotype. Identifiers: MedGen CN230736.

Submission:

Ambry Genetics
Classification: Uncertain significance for Cardiovascular phenotype. Last evaluated: 2026-02-19. Review status: criteria provided, single submitter. Criteria: Ambry Variant Classification Scheme 2023. Collection method: clinical testing. Allele origin: germline.
Comment: The p.R1337L variant (also known as c.4010G>T), located in coding exon 28 of the MYH7 gene, results from a G to T substitution at nucleotide position 4010. The arginine at codon 1337 is replaced by leucine, an amino acid with dissimilar properties. This amino acid position is conserved. In addition, this alteration is predicted to be deleterious by in silico analysis. Based on the available evidence, the clinical significance of this variant remains unclear.